The following is an entry in ClinVar:

NM_007194.4(CHEK2):c.908+4A>C

Gene: CHEK2 (checkpoint kinase 2; minus strand). Cytogenetic location: 22q12.1.
Variant type: single nucleotide variant.
Coding change: c.908+4A>C on transcript NM_007194.4 (MANE Select); 4 bases into the intron after coding-DNA position 908, A replaced by C.
Molecular consequence: intron variant.
Genome position (GRCh38, 1-based): chr22:28,703,501, T>G on the plus strand (A>C on the coding strand, the complement: CHEK2 is on the minus strand). VCF-style: chr22-28703501-T-G. GRCh37 (hg19) VCF-style: chr22-29099489-T-G.
Other names: c.245+4A>C (NM_001437942.1, NM_001257387.3); c.707+4A>C (NM_001349956.3); c.908+4A>C (NM_145862.3); c.1001+4A>C (NM_001438295.1, NM_001438293.1); c.1037+4A>C (NM_001438294.1, NM_001005735.3).
Identifiers: ClinVar variation 1765716 (VCV001765716.2), dbSNP rs2145876658, ClinGen allele CA2580099362.

ClinVar aggregate classification (germline): Uncertain significance (1 of 4 stars; one submission).

Conditions:
Hereditary cancer-predisposing syndrome. Also called: Neoplastic Syndromes, Hereditary; Tumor predisposition; Hereditary Cancer Syndrome; Hereditary neoplastic syndrome. Identifiers: Orphanet 140162, MedGen C0027672, MeSH D009386, MONDO:0015356.

Submission:

Ambry Genetics
Classification: Uncertain significance for Hereditary cancer-predisposing syndrome. Last evaluated: 2022-06-24. Review status: criteria provided, single submitter. Criteria: Ambry Variant Classification Scheme 2023. Collection method: clinical testing. Allele origin: germline.
Comment: The c.908+4A>C intronic variant results from an A to C substitution 4 nucleotides after coding exon 7 in the CHEK2 gene. This nucleotide position is highly conserved in available vertebrate species. In silico splice site analysis predicts that this alteration will weaken the native splice donor site. Since supporting evidence is limited at this time, the clinical significance of this alteration remains unclear.